The following is an entry in ClinVar:

ClinVar aggregate classification (germline): Likely benign. Review status: criteria provided, multiple submitters, no conflicts (2 of 4 stars). 2 submissions from 2 submitters: Likely benign (2). Last evaluated 2025-04-09.

Conditions:
Tuberous sclerosis 1 (TSC1). Identifiers: Orphanet 805, MedGen C1854465, MONDO:0008612, OMIM 191100.

Submissions (2):

Myriad Genetics, Inc.
Classification: Likely benign for Tuberous sclerosis 1. Last evaluated: 2025-04-09. Review status: criteria provided, single submitter. Criteria: Myriad Autosomal Dominant, Autosomal Recessive and X-Linked Classification Criteria (2023). Collection method: clinical testing. Allele origin: unknown.
Comment: This variant is considered likely benign. This variant is intronic and is not expected to impact mRNA splicing.

Labcorp Genetics (formerly Invitae), Labcorp
Classification: Likely benign for Tuberous sclerosis 1. Last evaluated: 2023-09-06. Review status: criteria provided, single submitter. Criteria: Invitae Variant Classification Sherloc (09022015). Collection method: clinical testing. Allele origin: germline.

NM_000368.5(TSC1):c.913+9T>A

Gene: TSC1 (TSC complex subunit 1; minus strand). Cytogenetic location: 9q34.13.
Variant type: single nucleotide variant.
Coding change: c.913+9T>A on transcript NM_000368.5 (MANE Select); 9 bases into the intron after coding-DNA position 913, T replaced by A.
Molecular consequence: intron variant.
Genome position (GRCh38, 1-based): chr9:132,912,273, A>T on the plus strand (T>A on the coding strand, the complement: TSC1 is on the minus strand). VCF-style: chr9-132912273-A-T. GRCh37 (hg19) VCF-style: chr9-135787660-A-T.
Other names: c.550+9T>A (NM_001362177.2); c.760+9T>A (NM_001162427.2); c.913+9T>A (NM_001162426.2).
Identifiers: ClinVar variation 1479874 (VCV001479874.9), dbSNP rs1588326345, ClinGen allele CA2573144260.